The following is an entry in ClinVar:

ClinVar aggregate classification (germline): Benign (0 of 4 stars; one submission).

Conditions:
NRXN1-related disorder.

Allele frequency attached by ClinVar (database versions not stated): gnomAD exomes 0.00065; ExAC 0.00196; ESP Exome Variant Server 0.00601; gnomAD 0.00715; 1000 Genomes Project 0.00779; TOPMed 0.00796; 1000 Genomes Project 30x 0.00859.
gnomAD v4.1: 1,242 of 402,052 alleles (0.31%); highest among the groups gnomAD compares: African/African-American, 2.4%; 15 homozygotes.

Submission:

PreventionGenetics, part of Exact Sciences
Classification: Benign for NRXN1-related condition. Last evaluated: 2019-06-26. Review status: no assertion criteria provided. Collection method: clinical testing. Allele origin: germline.
Comment: This variant is classified as benign based on ACMG/AMP sequence variant interpretation guidelines (Richards et al. 2015 PMID: 25741868, with internal and published modifications).

NM_001330078.2(NRXN1):c.832+1873C>T

Gene: NRXN1 (neurexin 1; minus strand). Cytogenetic location: 2p16.3.
Variant type: single nucleotide variant.
Coding change: c.832+1873C>T on transcript NM_001330078.2 (MANE Select); 1873 bases into the intron after coding-DNA position 832, C replaced by T.
Molecular consequence: intron variant. On other transcripts: 3 prime UTR variant (2).
Genome position (GRCh38, 1-based): chr2:50,919,996, G>A on the plus strand (C>T on the coding strand, the complement: NRXN1 is on the minus strand). VCF-style: chr2-50919996-G-A. GRCh37 (hg19) VCF-style: chr2-51147134-G-A.
Other names: c.*6C>T (NM_001330079.2, NM_001330081.2); c.772+107506C>T (NM_001330096.2, NM_001330087.2, NM_001330083.2 and 1 more transcripts); c.802+2662C>T (NM_001330088.2); c.829+1873C>T (NM_001330093.2); c.820+2662C>T (NM_001330094.2); c.832+1873C>T (NM_001330095.2, NM_001330082.2, NM_001330077.2 and 3 more transcripts); c.931+1873C>T (NM_001135659.3); c.833-728C>T (NM_001330090.2).
Identifiers: ClinVar variation 3042197 (VCV003042197.2), dbSNP rs72891343, ClinGen allele CA1655260.